The following is an entry in ClinVar:

NM_004629.2(FANCG):c.856G>T (p.Ala286Ser)

Gene: FANCG (FA complementation group G; minus strand). Cytogenetic location: 9p13.3.
Variant type: single nucleotide variant.
Coding change: c.856G>T on transcript NM_004629.2 (MANE Select); coding-DNA position 856, G replaced by T.
Protein change: p.Ala286Ser; replaces alanine 286 with serine.
Molecular consequence: missense variant.
Genome position (GRCh38, 1-based): chr9:35,076,792, C>A on the plus strand (G>T on the coding strand, the complement: FANCG is on the minus strand). VCF-style: chr9-35076792-C-A. GRCh37 (hg19) VCF-style: chr9-35076789-C-A.
Other names: short protein forms A286S.
Identifiers: ClinVar variation 5036499 (VCV005036499.1).

ClinVar aggregate classification (germline): Uncertain significance (1 of 4 stars; one submission).

Conditions:
Inborn genetic diseases. Identifiers: MedGen C0950123, MeSH D030342.

Submission:

Ambry Genetics
Classification: Uncertain significance for Inborn genetic diseases. Last evaluated: 2026-07-01. Review status: criteria provided, single submitter. Criteria: Ambry Variant Classification Scheme 2023. Collection method: clinical testing. Allele origin: germline.
Comment: The p.A286S variant (also known as c.856G>T), located in coding exon 7 of the FANCG gene, results from a G to T substitution at nucleotide position 856. The alanine at codon 286 is replaced by serine, an amino acid with similar properties. This amino acid position is conserved. In addition, this alteration is predicted to be tolerated by in silico analysis. Based on the available evidence, the clinical significance of this variant remains unclear.